The following is an entry in ClinVar:

ClinVar aggregate classification (germline): Likely benign (1 of 4 stars; one submission).

Submission:

Women's Health and Genetics/Laboratory Corporation of America, LabCorp
Classification: Likely benign. Last evaluated: 2025-12-30. Review status: criteria provided, single submitter. Criteria: LabCorp Variant Classification Summary - May 2015. Collection method: clinical testing. Allele origin: germline.
Comment: Variant summary: PRRT2 c.1013-22C>T is located at a position not widely known to affect splicing. Consensus agreement among computation tools predicts no significant impact on normal splicing. However, these predictions have yet to be confirmed by functional studies. The variant was absent in 249122 control chromosomes (gnomAD). The available data on variant occurrences in the general population are insufficient to allow any conclusion about variant significance. To our knowledge, no occurrence of c.1013-22C>T in individuals affected with PRRT2-related conditions and no experimental evidence demonstrating its impact on protein function have been reported. No submitters have cited clinical-significance assessments for this variant to ClinVar. Based on the evidence outlined above, the variant was classified as likely benign.

NM_145239.3(PRRT2):c.1013-22C>T

Genes: MVP-DT (MVP divergent transcript; minus strand), PRRT2 (proline rich transmembrane protein 2; plus strand). Cytogenetic location: 16p11.2.
Variant type: single nucleotide variant.
Coding change: c.1013-22C>T on transcript NM_145239.3 (MANE Select); 22 bases into the intron before coding-DNA position 1013, C replaced by T.
Molecular consequence: intron variant. On other transcripts: missense variant (2), 3 prime UTR variant (2).
Genome position (GRCh38, 1-based): chr16:29,814,606, C>T. VCF-style: chr16-29814606-C-T. GRCh37 (hg19) VCF-style: chr16-29825927-C-T.
Other names: c.1153C>T, p.Pro385Ser (NM_001256442.2, NM_001438121.1); c.*652C>T (NM_001256443.2, NM_001438122.1); c.1013-22C>T (NM_001438120.1); short protein forms P385S.
Identifiers: ClinVar variation 4688670 (VCV004688670.1).